The following is an entry in ClinVar:

ClinVar aggregate classification (germline): Uncertain significance (1 of 4 stars; one submission).

Conditions:
Greig cephalopolysyndactyly syndrome (GCPS). Also called: Greig syndrome; GLI3-Related Greig Cephalopolysyndactyly Syndrome; POLYSYNDACTYLY WITH PECULIAR SKULL SHAPE. Identifiers: Orphanet 380, MedGen C0265306, MONDO:0008287, OMIM 175700.

Submission:

Victorian Clinical Genetics Services, Murdoch Childrens Research Institute
Classification: Uncertain significance for Greig cephalopolysyndactyly syndrome. Last evaluated: 2026-04-23. Review status: criteria provided, single submitter. Criteria: ACMG Guidelines, 2015. Collection method: clinical testing. Allele origin: germline.
Comment: This variant is classified as VUS-3A. Evidence in support of pathogenic classification: Variant is predicted to cause nonsense-mediated decay (NMD) and loss of protein (premature termination codon is located at least 54 nucleotides upstream of the final exon-exon junction). This variant is located near the 5' NMD-escape region, and therefore may have reduced NMD efficiency; Variant is absent from gnomAD (v2, v3 and v4); Other NMD-predicted variant(s) comparable to the one identified in this case have very strong previous evidence for pathogenicity. These variants have been reported in individuals with Greig cephalopolysyndactyly syndrome and anterior polydactyly (DECIPHER, PMID: 32591344). Additional information: This variant is heterozygous; This gene is associated with autosomal dominant disease; This variant has no previous evidence of pathogenicity; No published evidence of segregation with disease has been identified for this variant; No published functional evidence has been identified for this variant; Loss of function is a known mechanism of disease in this gene and is associated with Greig cephalopolysyndactyly syndrome (GCPS, MIM#175700), Pallister-Hall syndrome (MIM#146510), postaxial polydactyly type A1 and B (MIM#174200), and preaxial polydactyly type IV (MIM#174700); The condition associated with this gene has incomplete penetrance. Rare reports of non-penetrance have been described (PMID: 20301619, PMID: 18000979); Variants in this gene are known to have variable expressivity. Intrafamilial variability has been reported (PMID: 18000979); Inheritance information for this variant is not currently available in this individual.

Literature cited by the submitters: PubMed 18000979; PubMed 20301619; PubMed 32591344.

NM_000168.6(GLI3):c.93_94del (p.Lys32fs)

Gene: GLI3 (GLI family zinc finger 3; minus strand). Cytogenetic location: 7p14.1.
Variant type: Microsatellite.
Coding change: c.93_94del on transcript NM_000168.6 (MANE Select); coding-DNA positions 93 to 94, 2 bases deleted (GA; older notation c.93_94delGA).
Protein change: p.Lys32fs; shifts the reading frame from lysine 32.
Molecular consequence: frameshift variant.
Genome position (GRCh38, 1-based): chr7:42,223,160-42,223,161, TC deleted on the plus strand (GA on the coding strand, the reverse complement: GLI3 is on the minus strand); deleting any 2 consecutive bases within chr7:42,223,160-42,223,163 gives the same sequence; the c. name uses the placement nearest the transcript's 3' end. VCF-style (leftmost placement, unchanged base first): chr7-42223159-TTC-T. GRCh37 (hg19) VCF-style: chr7-42262758-TTC-T.
Other names: short protein forms K32fs.
Identifiers: ClinVar variation 4879751 (VCV004879751.1).